The following is an entry in ClinVar:

NM_207361.6(FREM2):c.2216G>A (p.Arg739His)

Gene: FREM2 (FRAS1 related extracellular matrix 2; plus strand). Cytogenetic location: 13q13.3.
Variant type: single nucleotide variant.
Coding change: c.2216G>A on transcript NM_207361.6 (MANE Select); coding-DNA position 2216, G replaced by A.
Protein change: p.Arg739His; replaces arginine 739 with histidine.
Molecular consequence: missense variant.
Genome position (GRCh38, 1-based): chr13:38,689,560, G>A. VCF-style: chr13-38689560-G-A. GRCh37 (hg19) VCF-style: chr13-39263697-G-A.
Other names: short protein forms R739H.
Identifiers: ClinVar variation 2186514 (VCV002186514.2), dbSNP rs773104019, ClinGen allele CA6954570.
Genomic context (GRCh38, chr13:38,689,560, plus strand): 5'-CACCACTGAGGAAGAAGTGGCTGCGCTACACTGACCTGGACACAGATGACCGAGAACTAC[G>A]TTACACAGTGACTCAGCCCCCCACAGACACAGACGAAAATCACCTGCCAGCCCCACTGGG-3'
Protein context (NP_997244.4, residues 729-749): TDLDTDDREL[Arg739His]YTVTQPPTDT

ClinVar aggregate classification (germline): Conflicting classifications of pathogenicity. Review status: criteria provided, conflicting classifications (1 of 4 stars). 2 submissions from 2 submitters: Uncertain significance (1); Likely benign (1). Last evaluated 2024-09-20.

Conditions:
Isolated cryptophthalmia. Also called: Cryptophthalmos, unilateral or bilateral, isolated; ANKYLOBLEPHARON, SIMPLE. Identifiers: Orphanet 91396, MedGen C1852453, MONDO:0007410, OMIM 123570.
Fraser syndrome 2 (FRASRS2). Identifiers: MedGen C4540036, MONDO:0054738, OMIM 617666.

Allele frequency attached by ClinVar (database versions not stated): ExAC 0.00002; gnomAD 0.00002; gnomAD exomes 0.00002; TOPMed 0.00004.
gnomAD v4.1: 37 of 1,613,200 alleles (0.0023%); highest among the groups gnomAD compares: Admixed American, 0.048%; no homozygotes.

Submissions (2):

3billion
Classification: Likely benign for Isolated cryptophthalmia; Fraser syndrome 2. Last evaluated: 2024-09-20. Review status: criteria provided, single submitter. Criteria: ACMG Guidelines, 2015. Collection method: clinical testing. Allele origin: germline. Affected: no.
Comment: The homozygous variant was found in patients diagnosed with another variant in a different gene, with no symptoms related to the gene containing the homozygous variant.

Labcorp Genetics (formerly Invitae), Labcorp
Classification: Uncertain significance. Last evaluated: 2022-04-10. Review status: criteria provided, single submitter. Criteria: Invitae Variant Classification Sherloc (09022015). Collection method: clinical testing. Allele origin: germline.
Comment: This sequence change replaces arginine, which is basic and polar, with histidine, which is basic and polar, at codon 739 of the FREM2 protein (p.Arg739His). This variant is present in population databases (rs773104019, gnomAD 0.07%). This variant has not been reported in the literature in individuals affected with FREM2-related conditions. Algorithms developed to predict the effect of missense changes on protein structure and function output the following: SIFT: "Tolerated"; PolyPhen-2: "Benign"; Align-GVGD: "Class C0". The histidine amino acid residue is found in multiple mammalian species, which suggests that this missense change does not adversely affect protein function. In summary, the available evidence is currently insufficient to determine the role of this variant in disease. Therefore, it has been classified as a Variant of Uncertain Significance.